The following is an entry in ClinVar:

ClinVar aggregate classification (germline): Uncertain significance. Review status: criteria provided, multiple submitters, no conflicts (2 of 4 stars). 2 submissions from 2 submitters: Uncertain significance (2). Last evaluated 2025-01-27.

Conditions:
Inborn genetic diseases. Identifiers: MedGen C0950123, MeSH D030342.
Baller-Gerold syndrome (BGS). Also called: CRANIOSYNOSTOSIS WITH RADIAL DEFECTS. Identifiers: Orphanet 1225, MedGen C0265308, MONDO:0009039, OMIM 218600.

Submissions (2):

Ambry Genetics
Classification: Uncertain significance for Inborn genetic diseases. Last evaluated: 2025-01-27. Review status: criteria provided, single submitter. Criteria: Ambry Variant Classification Scheme 2023. Collection method: clinical testing. Allele origin: germline.
Comment: The p.G290R variant (also known as c.868G>A), located in coding exon 5 of the RECQL4 gene, results from a G to A substitution at nucleotide position 868. The glycine at codon 290 is replaced by arginine, an amino acid with dissimilar properties. This amino acid position is conserved. In addition, this alteration is predicted to be tolerated by in silico analysis. Based on the available evidence, the clinical significance of this variant remains unclear.

Labcorp Genetics (formerly Invitae), Labcorp
Classification: Uncertain significance for Baller-Gerold syndrome. Last evaluated: 2022-11-30. Review status: criteria provided, single submitter. Criteria: Invitae Variant Classification Sherloc (09022015). Collection method: clinical testing. Allele origin: germline.
Comment: Advanced modeling of protein sequence and biophysical properties (such as structural, functional, and spatial information, amino acid conservation, physicochemical variation, residue mobility, and thermodynamic stability) performed at Invitae indicates that this missense variant is not expected to disrupt RECQL4 protein function. This sequence change replaces glycine, which is neutral and non-polar, with arginine, which is basic and polar, at codon 290 of the RECQL4 protein (p.Gly290Arg). This variant is not present in population databases (gnomAD no frequency). This variant has not been reported in the literature in individuals affected with RECQL4-related conditions. ClinVar contains an entry for this variant (Variation ID: 846524). In summary, the available evidence is currently insufficient to determine the role of this variant in disease. Therefore, it has been classified as a Variant of Uncertain Significance.

NM_004260.4(RECQL4):c.868G>A (p.Gly290Arg)

Gene: RECQL4 (RecQ like helicase 4; minus strand). Cytogenetic location: 8q24.3.
Variant type: single nucleotide variant.
Coding change: c.868G>A on transcript NM_004260.4 (MANE Select); coding-DNA position 868, G replaced by A.
Protein change: p.Gly290Arg; replaces glycine 290 with arginine.
Molecular consequence: missense variant.
Genome position (GRCh38, 1-based): chr8:144,516,251, C>T on the plus strand (G>A on the coding strand, the complement: RECQL4 is on the minus strand). VCF-style: chr8-144516251-C-T. GRCh37 (hg19) VCF-style: chr8-145741635-C-T.
Other names: short protein forms G290R.
Identifiers: ClinVar variation 846524 (VCV000846524.6), dbSNP rs1814954879, ClinGen allele CA372688883.
Genomic context (GRCh38, chr8:144,516,251, plus strand): 5'-GCTGAGGTGGCTGTGCCTGTACAGGTTCCCCTGGAGGGTCTTCCTCAACTGCTACAGCCC[C>T]AGCCCCCTCCGATGGGGGTCCAGCTTGGCTGCTCTCCTGCTGGACCTGTGCGGGGCTCTC-3'
Protein context (NP_004251.4, residues 280-300): SQAGPPSEGA[Gly290Arg]AVAVEEDPPG